The following is an entry in ClinVar:

NM_000245.4(MET):c.3978G>A (p.Met1326Ile)

Gene: MET (MET proto-oncogene, receptor tyrosine kinase; plus strand). Cytogenetic location: 7q31.2.
Variant type: single nucleotide variant.
Coding change: c.3978G>A on transcript NM_000245.4 (MANE Select); coding-DNA position 3978, G replaced by A.
Protein change: p.Met1326Ile; replaces methionine 1326 with isoleucine.
Molecular consequence: missense variant.
Genome position (GRCh38, 1-based): chr7:116,795,929, G>A. VCF-style: chr7-116795929-G-A. GRCh37 (hg19) VCF-style: chr7-116435983-G-A.
Other names: c.4032G>A, p.Met1344Ile (NM_001127500.3); c.2688G>A, p.Met896Ile (NM_001324402.2); c.4032G>A (NM_001127500.1); short protein forms M1344I, M896I, M1326I.
Identifiers: ClinVar variation 1486195 (VCV001486195.9), dbSNP rs1795656686, ClinGen allele CA369118141.

ClinVar aggregate classification (germline): Uncertain significance. Review status: criteria provided, multiple submitters, no conflicts (2 of 4 stars). 2 submissions from 2 submitters: Uncertain significance (2). Last evaluated 2023-07-06.

Conditions:
Renal cell carcinoma. Identifiers: Orphanet 217071, MedGen C0007134, MeSH D002292, MONDO:0005086, HP:0005584.
Hereditary cancer-predisposing syndrome. Also called: Hereditary neoplastic syndrome; Neoplastic Syndromes, Hereditary; Hereditary Cancer Syndrome; Tumor predisposition. Identifiers: Orphanet 140162, MedGen C0027672, MeSH D009386, MONDO:0015356.

Submissions (2):

Ambry Genetics
Classification: Uncertain significance for Hereditary cancer-predisposing syndrome. Last evaluated: 2023-07-06. Review status: criteria provided, single submitter. Criteria: Ambry Variant Classification Scheme 2023. Collection method: clinical testing. Allele origin: germline.
Comment: The p.M1344I variant (also known as c.4032G>A), located in coding exon 20 of the MET gene, results from a G to A substitution at nucleotide position 4032. The methionine at codon 1344 is replaced by isoleucine, an amino acid with highly similar properties. This amino acid position is conserved. In addition, this alteration is predicted to be tolerated by in silico analysis. Since supporting evidence is limited at this time, the clinical significance of this alteration remains unclear.

Labcorp Genetics (formerly Invitae), Labcorp
Classification: Uncertain significance for Renal cell carcinoma. Last evaluated: 2020-12-10. Review status: criteria provided, single submitter. Criteria: Invitae Variant Classification Sherloc (09022015). Collection method: clinical testing. Allele origin: germline.
Comment: In summary, the available evidence is currently insufficient to determine the role of this variant in disease. Therefore, it has been classified as a Variant of Uncertain Significance. Algorithms developed to predict the effect of missense changes on protein structure and function (SIFT, PolyPhen-2, Align-GVGD) all suggest that this variant is likely to be tolerated, but these predictions have not been confirmed by published functional studies and their clinical significance is uncertain. This variant has not been reported in the literature in individuals with MET-related conditions. This variant is not present in population databases (ExAC no frequency). This sequence change replaces methionine with isoleucine at codon 1344 of the MET protein (p.Met1344Ile). The methionine residue is moderately conserved and there is a small physicochemical difference between methionine and isoleucine.